The following is an entry in ClinVar:

ClinVar aggregate classification (germline): Benign/Likely benign. Review status: criteria provided, multiple submitters, no conflicts (2 of 4 stars). 2 submissions from 2 submitters: Benign (1); Likely benign (1). Last evaluated 2026-01-21.

Conditions:
ALG6-congenital disorder of glycosylation 1C (CDG1C). Also called: CDG Ic; Congenital disorder of glycosylation, type Ic; CARBOHYDRATE-DEFICIENT GLYCOPROTEIN SYNDROME, TYPE I, WITH DEFICIENT GLYCOSYLATION OF DOLICHOL-LINKED OLIGOSACCHARIDE; CARBOHYDRATE-DEFICIENT GLYCOPROTEIN SYNDROME, TYPE V; Congenital disorder of glycosylation type 1C. Identifiers: Orphanet 79320, MedGen C2930997, MONDO:0011291, OMIM 603147.

Allele frequency attached by ClinVar (database versions not stated): gnomAD 0.00001 and 0.00002; gnomAD exomes 0.00010 and 0.00049; TOPMed 0.00012; ExAC 0.00051.
gnomAD v4.1: 136 of 1,528,280 alleles (0.0089%); highest among the groups gnomAD compares: Admixed American, 0.21%; no homozygotes.

Submissions (2):

Labcorp Genetics (formerly Invitae), Labcorp
Classification: Benign for ALG6-congenital disorder of glycosylation 1C. Last evaluated: 2026-01-21. Review status: criteria provided, single submitter. Criteria: Invitae Variant Classification Sherloc (09022015). Collection method: clinical testing. Allele origin: germline.

GeneDx
Classification: Likely benign. Last evaluated: 2017-12-22. Review status: criteria provided, single submitter. Criteria: GeneDx Variant Classification (06012015). Collection method: clinical testing. Allele origin: germline. Affected: yes.
Comment: This variant is considered likely benign or benign based on one or more of the following criteria: it is a conservative change, it occurs at a poorly conserved position in the protein, it is predicted to be benign by multiple in silico algorithms, and/or has population frequency not consistent with disease.

NM_013339.4(ALG6):c.987+12A>G

Gene: ALG6 (ALG6 alpha-1,3-glucosyltransferase; plus strand). Cytogenetic location: 1p31.3.
Variant type: single nucleotide variant.
Coding change: c.987+12A>G on transcript NM_013339.4 (MANE Select); 12 bases into the intron after coding-DNA position 987, A replaced by G.
Molecular consequence: intron variant.
Genome position (GRCh38, 1-based): chr1:63,415,969, A>G. VCF-style: chr1-63415969-A-G. GRCh37 (hg19) VCF-style: chr1-63881640-A-G.
Other names: c.987+12A>G (LRG_1260t1).
Identifiers: ClinVar variation 389038 (VCV000389038.9), dbSNP rs758406155, ClinGen allele CA888313.